The following is an entry in ClinVar:

ClinVar aggregate classification (germline): Benign (1 of 4 stars; one submission).

Conditions:
Vanishing white matter disease. Also called: Childhood ataxia with diffuse central nervous system hypomyelination; Leukoencephalopathy with vanishing white matter; CACH/VWM syndrome; Cree leukoencehalopathy; CACH syndrome. Identifiers: Orphanet 135, Orphanet 99853, MedGen C1858991, MONDO:0800448.

Allele frequency attached by ClinVar (database versions not stated): 1000 Genomes Project 30x 0.01015; gnomAD 0.01233 and 0.01341; 1000 Genomes Project 0.01018; TOPMed 0.01372.

Submission:

Illumina Laboratory Services, Illumina
Classification: Benign for Leukoencephalopathy with vanishing white matter 1. Last evaluated: 2018-01-13. Review status: criteria provided, single submitter. Criteria: ICSL Variant Classification Criteria 13 December 2019. Collection method: clinical testing. Allele origin: germline.
Comment: This variant was observed in the ICSL laboratory as part of a predisposition screen in an ostensibly healthy population. It had not been previously curated by ICSL or reported in the Human Gene Mutation Database (HGMD: prior to June 1st, 2018), and was therefore a candidate for classification through an automated scoring system. Utilizing variant allele frequency, disease prevalence and penetrance estimates, and inheritance mode, an automated score was calculated to assess if this variant is too frequent to cause the disease. Based on the score and internal cut-off values, a variant classified as benign is not then subjected to further curation. The score for this variant resulted in a classification of benign for this disease.

NM_020365.4(EIF2B3):c.-181A>T

Gene: EIF2B3 (eukaryotic translation initiation factor 2B subunit gamma; minus strand). Cytogenetic location: 1p34.1.
Variant type: single nucleotide variant.
Coding change: c.-181A>T on transcript NM_020365.4; 181 bases upstream of the start codon, A replaced by T.
Genome position (GRCh38, 1-based): chr1:44,986,664, T>A on the plus strand (A>T on the coding strand, the complement: EIF2B3 is on the minus strand). VCF-style: chr1-44986664-T-A. GRCh37 (hg19) VCF-style: chr1-45452336-T-A.
Identifiers: ClinVar variation 876314 (VCV000876314.6), dbSNP rs116616332, ClinGen allele CA21768328.